The following is an entry in ClinVar:

NM_001174089.2(SLC4A11):c.1837C>T (p.Arg613Trp)

Gene: SLC4A11 (solute carrier family 4 member 11; minus strand). Cytogenetic location: 20p13.
Variant type: single nucleotide variant.
Coding change: c.1837C>T on transcript NM_001174089.2 (MANE Select); coding-DNA position 1837, C replaced by T.
Protein change: p.Arg613Trp; replaces arginine 613 with tryptophan.
Molecular consequence: missense variant. On other transcripts: non-coding transcript variant (3).
Genome position (GRCh38, 1-based): chr20:3,229,358, G>A on the plus strand (C>T on the coding strand, the complement: SLC4A11 is on the minus strand). VCF-style: chr20-3229358-G-A. GRCh37 (hg19) VCF-style: chr20-3210004-G-A.
Other names: c.1966C>T, p.Arg656Trp (NM_001174090.2); c.1723C>T, p.Arg575Trp (NM_001363745.2); c.1780C>T, p.Arg594Trp (NM_001400277.1, NM_001400278.1, NM_001400279.1); c.1852C>T, p.Arg618Trp (NM_001400280.1); c.1885C>T, p.Arg629Trp (NM_032034.4); short protein forms R613W, R629W, R575W, R594W, R618W, R656W.
Identifiers: ClinVar variation 4977533 (VCV004977533.1).

ClinVar aggregate classification (germline): Uncertain significance (1 of 4 stars; one submission).

Conditions:
SLC4A11-related disorder. Also called: SLC4A11-related condition.

gnomAD v4.1: 50 of 1,613,222 alleles (0.0031%); highest among the groups gnomAD compares: Middle Eastern, 0.016%; no homozygotes.

Submission:

PreventionGenetics, part of Exact Sciences
Classification: Uncertain significance for SLC4A11-related condition. Last evaluated: 2026-02-12. Review status: criteria provided, single submitter. Criteria: ACMG Guidelines, 2015. Collection method: clinical testing. Allele origin: germline.
Comment: The SLC4A11 c.1885C>T variant is predicted to result in the amino acid substitution p.Arg629Trp. To our knowledge, this variant has not been reported in the literature. This variant is reported in 0.00088% of alleles in individuals of European (Non-Finnish) descent in gnomAD. At this time, the clinical significance of this variant is uncertain due to the absence of conclusive functional and genetic evidence.